The following is an entry in ClinVar:

ClinVar aggregate classification (germline): Pathogenic (1 of 4 stars; one submission).

Conditions:
Pheochromocytoma. Also called: MAX-Related Hereditary Paraganglioma-Pheochromocytoma Syndrome. Identifiers: Orphanet 29072, MedGen C0031511, MONDO:0008233, OMIM 171300, HP:0002666.
Pheochromocytoma/paraganglioma syndrome 4. Also called: CAROTID BODY TUMORS AND MULTIPLE EXTRAADRENAL PHEOCHROMOCYTOMAS; PARAGANGLIOMA, FAMILIAL MALIGNANT; PARAGANGLIOMAS, HEREDITARY EXTRAADRENAL; PHEOCHROMOCYTOMA, FAMILIAL EXTRAADRENAL; Paragangliomas 4; SDHB-Related Hereditary Paraganglioma-Pheochromocytoma Syndrome (Paragangliomas 4). Identifiers: Orphanet 29072, MedGen C1861848, MONDO:0007273, OMIM 115310.
Gastrointestinal stromal tumor. Also called: Gastrointestinal stroma tumor; Gastrointestinal stromal tumor, somatic. Identifiers: Orphanet 44890, MedGen C0238198, MeSH D046152, MONDO:0011719, OMIM 606764, HP:0100723.

Submission:

Labcorp Genetics (formerly Invitae), Labcorp
Classification: Pathogenic for Gastrointestinal stromal tumor; Pheochromocytoma/paraganglioma syndrome 4; Pheochromocytoma. Last evaluated: 2022-01-25. Review status: criteria provided, single submitter. Criteria: Invitae Variant Classification Sherloc (09022015). Collection method: clinical testing. Allele origin: germline.
Comment: For these reasons, this variant has been classified as Pathogenic. This variant has not been reported in the literature in individuals affected with SDHB-related conditions. This variant is not present in population databases (gnomAD no frequency). This sequence change creates a premature translational stop signal (p.Gln149Hisfs*10) in the SDHB gene. It is expected to result in an absent or disrupted protein product. Loss-of-function variants in SDHB are known to be pathogenic (PMID: 19454582, 19802898).

Literature cited by the submitters: PubMed 19454582; PubMed 19802898.

NM_003000.3(SDHB):c.445_446dup (p.Gln149fs)

Gene: SDHB (succinate dehydrogenase complex iron sulfur subunit B; minus strand). Cytogenetic location: 1p36.13.
Variant type: Microsatellite.
Coding change: c.445_446dup on transcript NM_003000.3 (MANE Select); coding-DNA positions 445 to 446, 2 bases duplicated (CA; older notation c.445_446dupCA).
Protein change: p.Gln149fs; shifts the reading frame from glutamine 149.
Molecular consequence: frameshift variant.
Genome position (GRCh38, 1-based): chr1:17,027,843-17,027,844, TG duplicated on the plus strand (CA on the coding strand, the reverse complement: SDHB is on the minus strand); duplicating any 2 consecutive bases within chr1:17,027,843-17,027,846 gives the same sequence; the c. name uses the placement nearest the transcript's 3' end. VCF-style (leftmost placement, unchanged base first): chr1-17027842-C-CTG. GRCh37 (hg19) VCF-style: chr1-17354337-C-CTG.
Other names: short protein forms Q149fs.
Identifiers: ClinVar variation 1371694 (VCV001371694.6), dbSNP rs2101521836, ClinGen allele CA2580611151.